The following is an entry in ClinVar:

ClinVar aggregate classification (germline): Uncertain significance. Review status: criteria provided, multiple submitters, no conflicts (2 of 4 stars). 6 submissions from 6 submitters: Uncertain significance (5). 1 of the submissions does not count toward it. Last evaluated 2025-06-20.

Conditions:
Fanconi anemia (FA). Also called: Fanconi's anemia. Identifiers: Orphanet 84, MedGen C0015625, MeSH D005199, MONDO:0019391.
Inborn genetic diseases. Identifiers: MedGen C0950123, MeSH D030342.
Fanconi anemia complementation group A (FANCA). Also called: Fanconi anemia, group A; FANCA-Related Fanconi Anemia. Identifiers: Orphanet 84, MedGen C3469521, MONDO:0009215, OMIM 227650.

Allele frequency attached by ClinVar (database versions not stated): gnomAD exomes below 0.00001; ExAC 0.00001; gnomAD 0.00010 and 0.00011; TOPMed 0.00017.
gnomAD v4.1: 25 of 1,613,776 alleles (0.0015%); highest among the groups gnomAD compares: Admixed American, 0.03%; no homozygotes.

Submissions (6):

Quest Diagnostics Nichols Institute San Juan Capistrano
Classification: Uncertain significance. Last evaluated: 2025-06-20. Review status: criteria provided, single submitter. Criteria: Quest Diagnostics criteria. Collection method: clinical testing. Allele origin: unknown.
Comment: The FANCA c.2842G>C (p.Asp948His) variant has not been reported in individuals with FANCA-related conditions in the published literature. The frequency of this variant in the general population (Genome Aggregation Database) is uninformative in the assessment of its pathogenicity. Analysis of this variant using bioinformatics tools for the prediction of the effect of amino acid changes on protein structure and function yielded conflicting predictions that this variant is benign or damaging. Based on the available information, we are unable to determine the clinical significance of this variant.

Ambry Genetics
Classification: Uncertain significance for Inborn genetic diseases. Last evaluated: 2024-11-18. Review status: criteria provided, single submitter. Criteria: Ambry Variant Classification Scheme 2023. Collection method: clinical testing. Allele origin: germline.
Comment: The p.D948H variant (also known as c.2842G>C), located in coding exon 29 of the FANCA gene, results from a G to C substitution at nucleotide position 2842. The aspartic acid at codon 948 is replaced by histidine, an amino acid with similar properties. This amino acid position is conserved. In addition, the in silico prediction for this alteration is inconclusive. Based on the available evidence, the clinical significance of this variant remains unclear.

Fulgent Genetics
Classification: Uncertain significance for Fanconi anemia complementation group A. Last evaluated: 2024-04-30. Review status: criteria provided, single submitter. Criteria: ACMG Guidelines, 2015. Collection method: clinical testing. Allele origin: germline.

Labcorp Genetics (formerly Invitae), Labcorp
Classification: Uncertain significance for Fanconi anemia. Last evaluated: 2022-08-23. Review status: criteria provided, single submitter. Criteria: Invitae Variant Classification Sherloc (09022015). Collection method: clinical testing. Allele origin: germline.
Comment: This sequence change replaces aspartic acid, which is acidic and polar, with histidine, which is basic and polar, at codon 948 of the FANCA protein (p.Asp948His). This variant is present in population databases (rs778254482, gnomAD 0.004%). This variant has not been reported in the literature in individuals affected with FANCA-related conditions. ClinVar contains an entry for this variant (Variation ID: 1057210). Advanced modeling of protein sequence and biophysical properties (such as structural, functional, and spatial information, amino acid conservation, physicochemical variation, residue mobility, and thermodynamic stability) performed at Invitae indicates that this missense variant is expected to disrupt FANCA protein function. In summary, the available evidence is currently insufficient to determine the role of this variant in disease. Therefore, it has been classified as a Variant of Uncertain Significance.

Sema4
Classification: Uncertain significance for Fanconi anemia. Last evaluated: 2022-03-17. Review status: criteria provided, single submitter. Criteria: Sema4 Curation Guidelines. Collection method: curation. Allele origin: germline.
Comment: The FANCA c.2842G>C (p.D948H) variant has not been reported in the literature to our knowledge. This variant was observed in 1/24964 chromosomes in the African/African American population according to the Genome Aggregation Database (PMID: 32461654) and has been reported in ClinVar (Variation ID: 1057210). Functional studies have not been performed, and in silico predictions of the variant's effect on protein function are inconclusive. The evidence is insufficient to meet ACMG/AMP criteria for classifying the variant as benign or pathogenic. Thus, the clinical significance of this variant is currently uncertain.

Natera, Inc.
Classification: Uncertain significance for Fanconi anemia. Last evaluated: 2020-01-17. Review status: no assertion criteria provided. Collection method: clinical testing. Allele origin: germline. Not counted in ClinVar's aggregate classification.

NM_000135.4(FANCA):c.2842G>C (p.Asp948His)

Gene: FANCA (FA complementation group A; minus strand). Cytogenetic location: 16q24.3.
Variant type: single nucleotide variant.
Coding change: c.2842G>C on transcript NM_000135.4 (MANE Select); coding-DNA position 2842, G replaced by C.
Protein change: p.Asp948His; replaces aspartic acid 948 with histidine.
Molecular consequence: missense variant.
Genome position (GRCh38, 1-based): chr16:89,761,959, C>G on the plus strand (G>C on the coding strand, the complement: FANCA is on the minus strand). VCF-style: chr16-89761959-C-G. GRCh37 (hg19) VCF-style: chr16-89828367-C-G.
Other names: c.2842G>C (NM_000135.2, NM_000135.3); c.2842G>C, p.Asp948His (NM_001286167.3); short protein forms D948H.
Identifiers: ClinVar variation 1057210 (VCV001057210.12), dbSNP rs778254482, ClinGen allele CA8251486.